The following is an entry in ClinVar:

NM_012414.4(RAB3GAP2):c.2778T>C (p.Ser926=)

Gene: RAB3GAP2 (RAB3 GTPase activating non-catalytic protein subunit 2; minus strand). Cytogenetic location: 1q41.
Variant type: single nucleotide variant.
Coding change: c.2778T>C on transcript NM_012414.4 (MANE Select); coding-DNA position 2778, T replaced by C.
Protein change: p.Ser926=; no amino-acid change (serine 926 retained).
Molecular consequence: synonymous variant.
Genome position (GRCh38, 1-based): chr1:220,170,920, A>G on the plus strand (T>C on the coding strand, the complement: RAB3GAP2 is on the minus strand). VCF-style: chr1-220170920-A-G. GRCh37 (hg19) VCF-style: chr1-220344262-A-G.
Identifiers: ClinVar variation 390793 (VCV000390793.1), dbSNP rs1057523891, ClinGen allele CA16603540.

ClinVar aggregate classification (germline): Likely benign (1 of 4 stars; one submission).

Allele frequency attached by ClinVar (database versions not stated): TOPMed below 0.00001; gnomAD 0.00001.
gnomAD v4.1: 19 of 1,614,030 alleles (0.0012%); highest among the groups gnomAD compares: Non-Finnish European, 0.0015%; no homozygotes.

Submission:

GeneDx
Classification: Likely benign. Last evaluated: 2016-11-15. Review status: criteria provided, single submitter. Criteria: GeneDx Variant Classification (06012015). Collection method: clinical testing. Allele origin: germline. Affected: yes.
Comment: This variant is considered likely benign or benign based on one or more of the following criteria: it is a conservative change, it occurs at a poorly conserved position in the protein, it is predicted to be benign by multiple in silico algorithms, and/or has population frequency not consistent with disease.